The following is an entry in ClinVar:

NM_005762.3(TRIM28):c.876A>G (p.Gln292=)

Gene: TRIM28 (tripartite motif containing 28; plus strand). Cytogenetic location: 19q13.43.
Variant type: single nucleotide variant.
Coding change: c.876A>G on transcript NM_005762.3 (MANE Select); coding-DNA position 876, A replaced by G.
Protein change: p.Gln292=; no amino-acid change (glutamine 292 retained).
Molecular consequence: synonymous variant.
Genome position (GRCh38, 1-based): chr19:58,547,828, A>G. VCF-style: chr19-58547828-A-G. GRCh37 (hg19) VCF-style: chr19-59059195-A-G.
Identifiers: ClinVar variation 4085794 (VCV004085794.8).

ClinVar aggregate classification (germline): Likely benign (1 of 4 stars; one submission).

Submission:

CeGaT Center for Human Genetics Tuebingen
Classification: Likely benign. Last evaluated: 2025-08-01. Review status: criteria provided, single submitter. Criteria: CeGaT Center For Human Genetics Tuebingen Variant Classification Criteria Version 2. Collection method: clinical testing. Allele origin: germline. Affected: yes. Observed: 1 variant allele.
Comment: TRIM28: PM2:Supporting, BP4, BP7